The following is an entry in ClinVar:

ClinVar aggregate classification (germline): Conflicting classifications of pathogenicity. Review status: criteria provided, conflicting classifications (1 of 4 stars). 2 submissions from 2 submitters: Uncertain significance (1); Likely benign (1). Last evaluated 2024-04-09.

Conditions:
Mucopolysaccharidosis type 1. Also called: Mucopolysaccharidosis Type I; IDUA deficiency; MPS I. Identifiers: Orphanet 579, MedGen C0023786, MONDO:0001586.

Submissions (2):

Mayo Clinic Laboratories, Mayo Clinic
Classification: Uncertain significance. Last evaluated: 2024-04-09. Review status: criteria provided, single submitter. Criteria: ACMG Guidelines, 2015. Collection method: clinical testing. Allele origin: germline. Observed: 1 variant allele.
Comment: PM2

Labcorp Genetics (formerly Invitae), Labcorp
Classification: Likely benign for Mucopolysaccharidosis type 1. Last evaluated: 2024-01-11. Review status: criteria provided, single submitter. Criteria: Invitae Variant Classification Sherloc (09022015). Collection method: clinical testing. Allele origin: germline.

Literature cited by the submitters: PubMed 37516270 (cited by Mayo Clinic Laboratories, Mayo Clinic).

NM_000203.5(IDUA):c.1225G>A (p.Gly409Arg)

Gene: IDUA (alpha-L-iduronidase; plus strand). Cytogenetic location: 4p16.3.
Variant type: single nucleotide variant.
Coding change: c.1225G>A on transcript NM_000203.5 (MANE Select); coding-DNA position 1225, G replaced by A.
Protein change: p.Gly409Arg; replaces glycine 409 with arginine.
Molecular consequence: missense variant. On other transcripts: non-coding transcript variant (1).
Genome position (GRCh38, 1-based): chr4:1,002,767, G>A. VCF-style: chr4-1002767-G-A. GRCh37 (hg19) VCF-style: chr4-996555-G-A.
Other names: p.Gly409Arg; c.829G>A, p.Gly277Arg (NM_001363576.1); short protein forms G277R, G409R.
Identifiers: ClinVar variation 1084956 (VCV001084956.10), dbSNP rs11934801, ClinGen allele CA91169920.
Genomic context (GRCh38, chr4:1,002,767, plus strand): 5'-GCGACGGCCCCCCCCCGCCCCGCAGATGAGGAGCAGCTCTGGGCCGAAGTGTCGCAGGCC[G>A]GGACCGTCCTGGACAGCAACCACACGGTGGGCGTCCTGGCCAGCGCCCACCGCCCCCAGG-3'
Protein context (NP_000194.2, residues 399-419): EQLWAEVSQA[Gly409Arg]TVLDSNHTVG